The following is an entry in ClinVar:

NM_001164508.2(NEB):c.24410del (p.Asn8137fs)

Genes: NEB (nebulin; minus strand), RIF1 (replication timing regulatory factor 1; plus strand). Cytogenetic location: 2q23.3.
Variant type: Deletion.
Coding change: c.24410del on transcript NM_001164508.2 (MANE Select); coding-DNA position 24410, one base deleted (A; older notation c.24410delA).
Protein change: p.Asn8137fs; shifts the reading frame from asparagine 8137.
Molecular consequence: frameshift variant.
Genome position (GRCh38, 1-based): chr2:151,496,352, T deleted on the plus strand (A on the coding strand, the reverse complement: NEB is on the minus strand); the first of 4 consecutive T bases (chr2:151,496,352-151,496,355); deleting any one gives the same sequence. VCF-style (leftmost placement, unchanged base first): chr2-151496351-GT-G. GRCh37 (hg19) VCF-style: chr2-152352865-GT-G.
Other names: c.24410del, p.Asn8137fs (NM_001164507.2); c.24515del, p.Asn8172fs (NM_001271208.2); c.18842del, p.Asn6281fs (NM_004543.5); c.24515delA (NM_001271208.1); short protein forms N6281fs, N8137fs, N8172fs.
Identifiers: ClinVar variation 3050963 (VCV003050963.2), dbSNP rs2551811961, ClinGen allele CA2661449626.

ClinVar aggregate classification (germline): Pathogenic (0 of 4 stars; one submission).

Conditions:
NEB-related disorder. Also called: NEB-related condition; NEB-Related Disorders.

Submission:

PreventionGenetics, part of Exact Sciences
Classification: Pathogenic for NEB-related condition. Last evaluated: 2024-03-01. Review status: no assertion criteria provided. Collection method: clinical testing. Allele origin: germline.
Comment: The NEB c.24515delA variant is predicted to result in a frameshift and premature protein termination (p.Asn8172Thrfs*8). To our knowledge, this variant has not been reported in the literature or in a large population database, indicating this variant is rare. Frameshift variants in NEB are expected to be pathogenic. This variant is interpreted as pathogenic.